The following is an entry in ClinVar:

NM_001943.5(DSG2):c.875G>A (p.Arg292His)

Gene: DSG2 (desmoglein 2; plus strand). Cytogenetic location: 18q12.1.
Variant type: single nucleotide variant.
Coding change: c.875G>A on transcript NM_001943.5 (MANE Select); coding-DNA position 875, G replaced by A.
Protein change: p.Arg292His; replaces arginine 292 with histidine.
Molecular consequence: missense variant.
Genome position (GRCh38, 1-based): chr18:31,524,749, G>A. VCF-style: chr18-31524749-G-A. GRCh37 (hg19) VCF-style: chr18-29104712-G-A.
Other names: short protein forms R292H.
Identifiers: ClinVar variation 44330 (VCV000044330.36), dbSNP rs185821167, ClinGen allele CA022326.
Genomic context (GRCh38, chr18:31,524,749, plus strand): 5'-TTCATGTTTTGCAGCTTGAAGGGATGGTTGAAGAAAATCAAGTCAACGTAGAAGTTACGC[G>A]CATAAAAGTGTTCGATGCAGATGAAATAGGTTCTGATAATTGGCTGGCAAATTTTACATT-3'
Protein context (NP_001934.2, residues 282-302): EENQVNVEVT[Arg292His]IKVFDADEIG

ClinVar aggregate classification (germline): Conflicting classifications of pathogenicity. Review status: criteria provided, conflicting classifications (1 of 4 stars). 10 submissions from 10 submitters: Likely pathogenic (1); Uncertain significance (8); Likely benign (1). Last evaluated 2026-01-21.

Conditions:
Cardiovascular phenotype. Identifiers: MedGen CN230736.
DSG2-related disorders.
Arrhythmogenic right ventricular dysplasia 10. Also called: Arrhythmogenic Right Ventricular Dysplasia/Cardiomyopathy10; ARRHYTHMOGENIC RIGHT VENTRICULAR DYSPLASIA, FAMILIAL, 10; Arrhythmogenic right ventricular dysplasia/cardiomyopathy, type 10. Identifiers: MedGen C1857777, MONDO:0012434, OMIM 610193.
Dilated cardiomyopathy 1BB (CMD1BB). Also called: CARDIOMYOPATHY, DILATED, 1BB, SUSCEPTIBILITY TO. Identifiers: Orphanet 154, MedGen C2752072, MONDO:0013030, OMIM 612877.
Arrhythmogenic right ventricular cardiomyopathy (ARVD). Also called: Cardiomyopathy, ARVC; Arrhythmogenic Right Ventricular Cardiomyopathy (ARVC); Arrhythmogenic right ventricular dysplasia; Arrhythmogenic cardiomyopathy. Identifiers: Orphanet 247, MedGen C0349788, MeSH D019571, MONDO:0016587. Disease mechanism: loss of function. Inheritance: Various modes of inheritance.
Cardiomyopathy (CMYO). Also called: Cardiomyopathies. Identifiers: Orphanet 167848, MedGen C0878544, MONDO:0004994, HP:0001638. Inheritance: Various modes of inheritance.

Allele frequency attached by ClinVar (database versions not stated): ExAC 0.00007; ESP Exome Variant Server 0.00008; gnomAD exomes 0.00015; 1000 Genomes Project 30x 0.00016; 1000 Genomes Project 0.00020; TOPMed 0.00022.
gnomAD v4.1: 222 of 1,614,124 alleles (0.014%); highest among the groups gnomAD compares: Admixed American, 0.027%; no homozygotes.

Submissions (10):

Labcorp Genetics (formerly Invitae), Labcorp
Classification: Uncertain significance for Arrhythmogenic right ventricular dysplasia 10. Last evaluated: 2026-01-21. Review status: criteria provided, single submitter. Criteria: Invitae Variant Classification Sherloc (09022015). Collection method: clinical testing. Allele origin: germline.
Comment: This sequence change replaces arginine, which is basic and polar, with histidine, which is basic and polar, at codon 292 of the DSG2 protein (p.Arg292His). This variant is present in population databases (rs185821167, gnomAD 0.03%). This missense change has been observed in individual(s) with arrhythmogenic right ventricular cardiomyopathy/dysplasia (PMID: 31702781). ClinVar contains an entry for this variant (Variation ID: 44330). Invitae Evidence Modeling of protein sequence and biophysical properties (such as structural, functional, and spatial information, amino acid conservation, physicochemical variation, residue mobility, and thermodynamic stability) has been performed for this missense variant. However, the output from this modeling did not meet the statistical confidence thresholds required to predict the impact of this variant on DSG2 protein function. In summary, the available evidence is currently insufficient to determine the role of this variant in disease. Therefore, it has been classified as a Variant of Uncertain Significance.

Color Diagnostics, LLC DBA Color Health
Classification: Likely benign for Cardiomyopathy. Last evaluated: 2025-02-18. Review status: criteria provided, single submitter. Criteria: ACMG Guidelines, 2015. Collection method: clinical testing. Allele origin: germline.

GeneDx
Classification: Uncertain significance. Last evaluated: 2024-11-26. Review status: criteria provided, single submitter. Criteria: GeneDx Variant Classification Process June 2021. Collection method: clinical testing. Allele origin: germline. Affected: yes.
Comment: Reported in several patients with ARVC who also harbor a second potentially disease-causing variant in the DSG2 gene (PMID: 31702781); In silico analysis supports that this missense variant has a deleterious effect on protein structure/function; This variant is associated with the following publications: (PMID: 26383259, 21606396, 25172079, 31702781)

Blueprint Genetics
Classification: Likely pathogenic for DSG2-related disorders. Last evaluated: 2024-11-21. Review status: criteria provided, single submitter. Criteria: ACMG Guidelines, 2015. Collection method: clinical testing. Allele origin: germline. Affected: yes. Observed: 5 variant alleles.

All of Us Research Program, National Institutes of Health
Classification: Uncertain significance for Arrhythmogenic right ventricular cardiomyopathy. Last evaluated: 2024-05-09. Review status: criteria provided, single submitter. Criteria: ACMG Guidelines, 2015. Collection method: clinical testing. Allele origin: germline. Inheritance: Autosomal dominant inheritance. Observed: 30 variant alleles, 30 heterozygotes.
Comment: This missense variant replaces arginine with histidine at codon 292 of the DSG2 protein. Computational prediction suggests that this variant may not impact protein structure and function (internally defined REVEL score threshold <= 0.5, PMID: 27666373). To our knowledge, functional studies have not been reported for this variant. This variant has been reported in the homozygous state in several individuals affected with arrhythmogenic right ventricular cardiomyopathy/dysplasia and in the heterozygous state in their unaffected relatives (PMID: 25172079, 31702781). This variant has also been identified in 24/280756 chromosomes in the general population by the Genome Aggregation Database (gnomAD). The available evidence is insufficient to determine the role of this variant in disease conclusively. Therefore, this variant is classified as a Variant of Uncertain Significance.

This study involves interpretation of variants in research participants for the purpose of population health screening. Participant phenotype was not available at the time of variant classification. Additional details can be found in publication PMID: 35346344, PMCID: PMC8962531

CHEO Genetics Diagnostic Laboratory, Children's Hospital of Eastern Ontario
Classification: Uncertain significance for Cardiomyopathy. Last evaluated: 2022-07-21. Review status: criteria provided, single submitter. Criteria: ACMG Guidelines, 2015. Collection method: clinical testing. Allele origin: germline. Study: Canadian Open Genetics Repository.

New York Genome Center
Classification: Uncertain significance for Arrhythmogenic right ventricular dysplasia 10; Dilated cardiomyopathy 1BB. Last evaluated: 2022-03-15. Review status: criteria provided, single submitter. Criteria: NYGC Assertion Criteria 2020. Collection method: clinical testing. Allele origin: germline. Observed: 1 heterozygote.
Comment: The c.875G>A variant identified in DSG2 has previously been reported in the literature in individuals with ARVC/D either in trans with another variant [PMID: 25172079] or heterozygous [PMID: 31702781], and it has been deposited in ClinVar as variant of uncertain significance by multiple submitters [ClinVar ID:44330]. The c.875G>A variant is observed in 58 alleles (~0.01% MAF with 0 homozygotes) in population databases (gnomAD v2.1.1 and v3.1.2, TOPMed Freeze 8), suggesting it is not a common benign variant in the populations represented in those databases which may also include individuals with cardiac phenotypes. The c.875G>A variant is located in exon 8 of this 15-exon gene, and predicted to replace an evolutionarily conserved arginine amino acid with histidine at position 292 within the extracellular domain of the encoded protein. In silico predictions are inconclusive of the variant's effect [(CADD v1.6 = 25, REVEL = 0.313)]; however, thereare no functional studies to support or refute these predictions. Another variant affecting the same codon (c.874C>T:p.(Arg292Cys)) has also been reported in the literature [PMID: 28349240] and ClinVar [ClinVar ID: 466351] as variant of uncertain significance. Based on available evidence this c.875G>Ap.(Arg292His) variant identified in DSG2 is classified as a Variant of Uncertain Significance.

Ambry Genetics
Classification: Uncertain significance for Cardiovascular phenotype. Last evaluated: 2022-01-13. Review status: criteria provided, single submitter. Criteria: Ambry Variant Classification Scheme 2023. Collection method: clinical testing. Allele origin: germline.

Fulgent Genetics
Classification: Uncertain significance for Arrhythmogenic right ventricular dysplasia 10; Dilated cardiomyopathy 1BB. Last evaluated: 2021-10-09. Review status: criteria provided, single submitter. Criteria: ACMG Guidelines, 2015. Collection method: clinical testing. Allele origin: unknown.

Laboratory for Molecular Medicine, Mass General Brigham Personalized Medicine
Classification: Uncertain significance. Last evaluated: 2018-01-17. Review status: criteria provided, single submitter. Criteria: LMM Criteria. Collection method: clinical testing. Allele origin: germline. Observed: 2 variant alleles.
Comment: proposed classification - variant undergoing re-assessment, contact laboratory

Literature cited by the submitters: PubMed 31702781 (cited by Labcorp Genetics (formerly Invitae), Labcorp and All of Us Research Program, National Institutes of Health); PubMed 25172079 (cited by All of Us Research Program, National Institutes of Health); PubMed 21606396 (cited by Laboratory for Molecular Medicine, Mass General Brigham Personalized Medicine).